The following is an entry in ClinVar:

NM_000057.4(BLM):c.376C>T (p.Pro126Ser)

Gene: BLM (BLM RecQ like helicase; plus strand). Cytogenetic location: 15q26.1.
Variant type: single nucleotide variant.
Coding change: c.376C>T on transcript NM_000057.4 (MANE Select); coding-DNA position 376, C replaced by T.
Protein change: p.Pro126Ser; replaces proline 126 with serine.
Molecular consequence: missense variant. On other transcripts: 5 prime UTR variant (1).
Genome position (GRCh38, 1-based): chr15:90,749,644, C>T. VCF-style: chr15-90749644-C-T. GRCh37 (hg19) VCF-style: chr15-91292874-C-T.
Other names: c.376C>T, p.Pro126Ser (NM_001287246.2, NM_001287247.2); c.-916C>T (NM_001287248.2); short protein forms P126S.
Identifiers: ClinVar variation 569945 (VCV000569945.16), dbSNP rs587778106, ClinGen allele CA274727999.
Genomic context (GRCh38, chr15:90,749,644, plus strand): 5'-TCATTATTGCCAGATTTCTTGCAGACTCCGAAGGAAGTTGTATGCACTACCCAAAACACA[C>T]CAACTGTAAAGAAATCCCGGGATACTGCTCTCAAGAAATTAGAATTTAGTTCTTCACCAG-3'
Protein context (NP_000048.1, residues 116-136): KEVVCTTQNT[Pro126Ser]TVKKSRDTAL

ClinVar aggregate classification (germline): Conflicting classifications of pathogenicity. Review status: criteria provided, conflicting classifications (1 of 4 stars). 3 submissions from 3 submitters: Uncertain significance (1); Likely benign (1). 1 of the submissions does not count toward it. Last evaluated 2025-11-12.

Conditions:
Bloom syndrome (BLM). Also called: Bloom-Torre-Machacek syndrome. Identifiers: Orphanet 125, MedGen C0005859, MONDO:0008876, OMIM 210900.
Hereditary cancer-predisposing syndrome. Also called: Hereditary neoplastic syndrome; Tumor predisposition; Neoplastic Syndromes, Hereditary; Hereditary Cancer Syndrome. Identifiers: Orphanet 140162, MedGen C0027672, MeSH D009386, MONDO:0015356.

Allele frequency attached by ClinVar (database versions not stated): TOPMed 0.00002.
gnomAD v4.1: 31 of 1,614,004 alleles (0.0019%); highest among the groups gnomAD compares: Non-Finnish European, 0.0024%; no homozygotes.

Submissions (3):

Labcorp Genetics (formerly Invitae), Labcorp
Classification: Uncertain significance for Bloom syndrome. Last evaluated: 2025-11-12. Review status: criteria provided, single submitter. Criteria: Invitae Variant Classification Sherloc (09022015). Collection method: clinical testing. Allele origin: germline.
Comment: This sequence change replaces proline, which is neutral and non-polar, with serine, which is neutral and polar, at codon 126 of the BLM protein (p.Pro126Ser). This variant is not present in population databases (gnomAD no frequency). This variant has not been reported in the literature in individuals affected with BLM-related conditions. ClinVar contains an entry for this variant (Variation ID: 569945). An algorithm developed to predict the effect of missense changes on protein structure and function outputs the following: PolyPhen-2: "Benign". The serine amino acid residue is found in multiple mammalian species, which suggests that this missense change does not adversely affect protein function. In summary, the available evidence is currently insufficient to determine the role of this variant in disease. Therefore, it has been classified as a Variant of Uncertain Significance.

Ambry Genetics
Classification: Likely benign for Hereditary cancer-predisposing syndrome. Last evaluated: 2024-03-14. Review status: criteria provided, single submitter. Criteria: Ambry Variant Classification Scheme 2023. Collection method: clinical testing. Allele origin: germline.

Natera, Inc.
Classification: Uncertain significance for Bloom syndrome. Last evaluated: 2021-03-31. Review status: no assertion criteria provided. Collection method: clinical testing. Allele origin: germline. Not counted in ClinVar's aggregate classification.